The following is an entry in ClinVar:

ClinVar aggregate classification (germline): Uncertain significance. Review status: criteria provided, multiple submitters, no conflicts (2 of 4 stars). 2 submissions from 2 submitters: Uncertain significance (2). Last evaluated 2024-12-10.

Conditions:
Left ventricular noncompaction 1 (LVNC1). Also called: LEFT VENTRICULAR NONCOMPACTION 1 WITH OR WITHOUT CONGENITAL HEART DEFECTS. Identifiers: Orphanet 54260, MedGen C1858725, MONDO:0011403, OMIM 604169.

Allele frequency attached by ClinVar (database versions not stated): ExAC 0.00002; gnomAD exomes 0.00002; TOPMed 0.00002; gnomAD 0.00003.
gnomAD v4.1: 28 of 1,613,732 alleles (0.0017%); highest among the groups gnomAD compares: Non-Finnish European, 0.0023%; no homozygotes.

Submissions (2):

Clinical Genomics Laboratory, Washington University in St. Louis
Classification: Uncertain significance for Left ventricular noncompaction 1. Last evaluated: 2024-12-10. Review status: criteria provided, single submitter. Criteria: ACMG Guidelines, 2015. Collection method: clinical testing. Allele origin: germline.
Comment: The DTNA c.1748A>G (p.Gln583Arg) variant, to our knowledge, has not been reported in the medical literature. This variant is only observed on 5/251,058 alleles in the general population (gnomAD v.2.1.1), indicating it is not a common variant. This variant has been reported in the ClinVar database as a germline variant of uncertain significance by one submitter. Computational predictors are uncertain as to the impact of this variant on DTNA function. Due to limited information, the clinical significance of this variant is uncertain.

Labcorp Genetics (formerly Invitae), Labcorp
Classification: Uncertain significance for Left ventricular noncompaction 1. Last evaluated: 2021-09-17. Review status: criteria provided, single submitter. Criteria: Invitae Variant Classification Sherloc (09022015). Collection method: clinical testing. Allele origin: germline.
Comment: Algorithms developed to predict the effect of missense changes on protein structure and function (SIFT, PolyPhen-2, Align-GVGD) all suggest that this variant is likely to be tolerated. In summary, the available evidence is currently insufficient to determine the role of this variant in disease. Therefore, it has been classified as a Variant of Uncertain Significance. This variant has not been reported in the literature in individuals affected with DTNA-related conditions. This variant is present in population databases (rs769821768, ExAC 0.005%). This sequence change replaces glutamine with arginine at codon 556 of the DTNA protein (p.Gln556Arg). The glutamine residue is highly conserved and there is a small physicochemical difference between glutamine and arginine.

NM_001386795.1(DTNA):c.1748A>G (p.Gln583Arg)

Gene: DTNA (dystrobrevin alpha; plus strand). Cytogenetic location: 18q12.1.
Variant type: single nucleotide variant.
Coding change: c.1748A>G on transcript NM_001386795.1 (MANE Select); coding-DNA position 1748, A replaced by G.
Protein change: p.Gln583Arg; replaces glutamine 583 with arginine.
Molecular consequence: missense variant.
Genome position (GRCh38, 1-based): chr18:34,875,243, A>G. VCF-style: chr18-34875243-A-G. GRCh37 (hg19) VCF-style: chr18-32455207-A-G.
Other names: c.1487A>G, p.Gln496Arg (NM_001198938.2, NM_001198940.2, NM_001386753.1 and 5 more transcripts); c.1508A>G, p.Gln503Arg (NM_001198939.2); c.794A>G, p.Gln265Arg (NM_001198942.1); c.737A>G, p.Gln246Arg (NM_001198943.1); c.623A>G, p.Gln208Arg (NM_001198944.1); c.1577A>G, p.Gln526Arg (NM_001386754.1, NM_001386755.1, NM_001386756.1 and 3 more transcripts); c.1574A>G, p.Gln525Arg (NM_001386760.1); c.1496A>G, p.Gln499Arg (NM_001386761.1, NM_032975.4); and 5 more; short protein forms Q246R, Q496R, Q503R, Q583R, Q204R, Q265R, Q499R, Q556R.
Identifiers: ClinVar variation 1427149 (VCV001427149.7), dbSNP rs769821768, ClinGen allele CA8935834.